The following is an entry in ClinVar:

NM_016373.4(WWOX):c.552dup (p.Ala185fs)

Gene: WWOX (WW domain containing oxidoreductase; plus strand). Cytogenetic location: 16q23.1.
Variant type: Duplication.
Coding change: c.552dup on transcript NM_016373.4 (MANE Select); coding-DNA position 552, one base duplicated (C; older notation c.552dupC).
Protein change: p.Ala185fs; shifts the reading frame from alanine 185.
Molecular consequence: frameshift variant.
Genome position (GRCh38, 1-based): chr16:78,386,895, C duplicated. VCF-style (leftmost placement, unchanged base first): chr16-78386894-T-TC. GRCh37 (hg19) VCF-style: chr16-78420791-T-TC.
Other names: c.213dupC (NM_001291997.2); c.213dup, p.Ala72fs (NM_001291997.2); short protein forms A185fs, A72fs.
Identifiers: ClinVar variation 2099038 (VCV002099038.6), dbSNP rs2507406750, ClinGen allele CA2580092128.

ClinVar aggregate classification (germline): Pathogenic/Likely pathogenic. Review status: criteria provided, multiple submitters, no conflicts (2 of 4 stars). 3 submissions from 3 submitters: Pathogenic (2); Likely pathogenic (1). Last evaluated 2026-06-20.

Conditions:
Autosomal recessive spinocerebellar ataxia 12. Also called: SPINOCEREBELLAR ATAXIA WITH MENTAL RETARDATION AND EPILEPSY. Identifiers: Orphanet 284282, MedGen C3280452, MONDO:0013687, OMIM 614322.
Developmental and epileptic encephalopathy, 1 (DEE1). Also called: OHTAHARA SYNDROME, X-LINKED; INFANTILE SPASM SYNDROME, X-LINKED 1; X-linked infantile spasms; West's syndrome; Tonic spasms with clustering, arrest of psychomotor development and hypsarrhythmia on EEG; X-Linked Infantile Spasm Syndrome. Identifiers: MedGen C3463992, MONDO:0010632, OMIM 308350. Disease mechanism: loss of function.
Developmental and epileptic encephalopathy, 28 (DEE28). Also called: Epileptic encephalopathy, early infantile, 28. Identifiers: Orphanet 442835, MedGen C4015519, MONDO:0014533, OMIM 616211.

Submissions (3):

Iranome Laboratory
Classification: Likely pathogenic for Autosomal recessive spinocerebellar ataxia 12. Last evaluated: 2026-06-20. Review status: criteria provided, single submitter. Criteria: ACMG Guidelines, 2015. Collection method: research. Allele origin: germline. Inheritance: Autosomal recessive inheritance. Affected: yes. Observed: 1 variant allele, 1 homozygote.

Genomic Medicine Center of Excellence, King Faisal Specialist Hospital and Research Centre
Classification: Pathogenic for Developmental and epileptic encephalopathy, 28. Last evaluated: 2024-04-04. Review status: criteria provided, single submitter. Criteria: ACMG Guidelines, 2015. Collection method: clinical testing. Allele origin: germline.

Labcorp Genetics (formerly Invitae), Labcorp
Classification: Pathogenic for Developmental and epileptic encephalopathy, 1; Autosomal recessive spinocerebellar ataxia 12. Last evaluated: 2022-02-18. Review status: criteria provided, single submitter. Criteria: Invitae Variant Classification Sherloc (09022015). Collection method: clinical testing. Allele origin: germline.
Comment: This variant is not present in population databases (gnomAD no frequency). This variant has not been reported in the literature in individuals affected with WWOX-related conditions. For these reasons, this variant has been classified as Pathogenic. This sequence change creates a premature translational stop signal (p.Ala185Argfs*5) in the WWOX gene. It is expected to result in an absent or disrupted protein product. Loss-of-function variants in WWOX are known to be pathogenic (PMID: 24456803, 25411445).

Literature cited by the submitters: PubMed 24456803 (cited by Labcorp Genetics (formerly Invitae), Labcorp); PubMed 25411445 (cited by Labcorp Genetics (formerly Invitae), Labcorp).